The following is an entry in ClinVar:

ClinVar aggregate classification (germline): Pathogenic. Review status: criteria provided, multiple submitters, no conflicts (2 of 4 stars). 7 submissions from 7 submitters: Pathogenic (6). 1 of the submissions does not count toward it. Last evaluated 2025-12-27.

Conditions:
Inborn genetic diseases. Identifiers: MedGen C0950123, MeSH D030342.
Cockayne syndrome. Identifiers: Orphanet 191, MedGen C0009207, MONDO:0016006.
DE SANCTIS-CACCHIONE SYNDROME. Identifiers: MedGen C0265201, MONDO:0010217, OMIM 278800.
Cerebrooculofacioskeletal syndrome 1 (COFS1). Also called: Cerebro-oculo-facio-skeletal syndrome 1. Identifiers: MedGen C0220722, MONDO:0008955, OMIM 214150.
Cockayne syndrome type 2 (CSB). Also called: Cockayne Syndrome, Type II; COCKAYNE SYNDROME B. Identifiers: Orphanet 191, Orphanet 90322, MedGen C0751038, MONDO:0019570, OMIM 133540.
ERCC6-related disorder. Also called: ERCC6-related disorders; ERCC6-related condition. Identifiers: MedGen CN239385.

Allele frequency attached by ClinVar (database versions not stated): TOPMed 0.00001; ExAC 0.00002; gnomAD 0.00003; 1000 Genomes Project 30x 0.00016.
gnomAD v4.1: 64 of 1,613,410 alleles (0.004%); highest among the groups gnomAD compares: South Asian, 0.0055%; no homozygotes.

Submissions (7):

GeneDx
Classification: Pathogenic. Last evaluated: 2025-12-27. Review status: criteria provided, single submitter. Criteria: GeneDx Variant Classification Process June 2021. Collection method: clinical testing. Allele origin: germline. Affected: yes.
Comment: Nonsense variant predicted to result in protein truncation or nonsense mediated decay in a gene for which loss of function is a known mechanism of disease; This variant is associated with the following publications: (PMID: 24700531, 33057194, 36113475, 35982159, 29572252, 25356239)

Labcorp Genetics (formerly Invitae), Labcorp
Classification: Pathogenic. Last evaluated: 2025-12-08. Review status: criteria provided, single submitter. Criteria: Invitae Variant Classification Sherloc (09022015). Collection method: clinical testing. Allele origin: germline.
Comment: This sequence change creates a premature translational stop signal (p.Arg176*) in the ERCC6 gene. It is expected to result in an absent or disrupted protein product. Loss-of-function variants in ERCC6 are known to be pathogenic (PMID: 18628313, 29572252). This variant is present in population databases (rs771781694, gnomAD 0.01%). This premature translational stop signal has been observed in individual(s) with clinical features of Cockayne syndrome (PMID: 25356239, 29572252). ClinVar contains an entry for this variant (Variation ID: 551532). Algorithms developed to predict the effect of sequence changes on RNA splicing suggest that this variant may disrupt the consensus splice site. For these reasons, this variant has been classified as Pathogenic.

Women's Health and Genetics/Laboratory Corporation of America, LabCorp
Classification: Pathogenic for Cockayne syndrome. Last evaluated: 2024-10-08. Review status: criteria provided, single submitter. Criteria: LabCorp Variant Classification Summary - May 2015. Collection method: clinical testing. Allele origin: germline.
Comment: Variant summary: ERCC6 c.526C>T (p.Arg176X) results in a premature termination codon, predicted to cause a truncation of the encoded protein or absence of the protein due to nonsense mediated decay, which are commonly known mechanisms for disease. The variant allele was found at a frequency of 2.8e-05 in 251268 control chromosomes. c.526C>T has been reported in the literature in the homozyougs and compound heterozygous state in individuals affected with Cockayne Syndrome (Calmels_2018). These data indicate that the variant is likely to be associated with disease. To our knowledge, no experimental evidence demonstrating an impact on protein function has been reported. The following publication have been ascertained in the context of this evaluation (PMID: 29572252). ClinVar contains an entry for this variant (Variation ID: 551532). Based on the evidence outlined above, the variant was classified as pathogenic.

Blueprint Genetics
Classification: Pathogenic for ERCC6-related disorders. Last evaluated: 2024-01-08. Review status: criteria provided, single submitter. Criteria: ACMG Guidelines, 2015. Collection method: clinical testing. Allele origin: germline. Affected: yes. Observed: 5 variant alleles.

Ambry Genetics
Classification: Pathogenic for Inborn genetic diseases. Last evaluated: 2023-07-17. Review status: criteria provided, single submitter. Criteria: Ambry Variant Classification Scheme 2023. Collection method: clinical testing. Allele origin: germline.
Comment: The c.526C>T (p.R176*) alteration, located in exon 3 (coding exon 2) of the ERCC6 gene, consists of a C to T substitution at nucleotide position 526. This changes the amino acid from an arginine (R) to a stop codon at amino acid position 176. This alteration is expected to result in loss of function by premature protein truncation or nonsense-mediated mRNA decay. Based on data from gnomAD, the T allele has an overall frequency of 0.003% (8/282646) total alleles studied. The highest observed frequency was 0.01% (3/30604) of South Asian alleles. This variant has been reported to be homozygous or compound heterozygous in multiple individuals with features consistent with ERCC6-related disorders (Luo, 2014; Calmels, 2018). Based on the available evidence, this alteration is classified as pathogenic.

Neuberg Centre For Genomic Medicine, NCGM
Classification: Pathogenic for Cockayne syndrome type 2. Review status: criteria provided, single submitter. Criteria: ACMG Guidelines, 2015. Collection method: clinical testing. Allele origin: germline. Inheritance: Autosomal recessive inheritance. Affected: yes.
Comment: The stop gained variant c.526C>T (p.Arg176Ter) in ERCC6 gene has been reported previously in homozygous state in patients affected with Cockayne syndrome (Luo et al., 2014). The p.Arg176Ter variant is reported with the allele frequency (0.002%) in the gnomAD Exomes and is novel (not in any individuals) in 1000 Genomes. It has been submitted to ClinVar with varying interpretations: Pathogenic/ Likely Pathogenic. The nucleotide change in ERCC6 is predicted as conserved by GERP++ and PhyloP across 100 vertebrates. This variant is predicted to cause loss of normal protein function through protein truncation. Loss of function variants have been previously reported to be disease causing. For these reasons, this variant has been classified as Pathogenic

Counsyl
Classification: Likely pathogenic for Cockayne syndrome type 2; Cerebrooculofacioskeletal syndrome 1; DE SANCTIS-CACCHIONE SYNDROME. Last evaluated: 2017-04-14. Review status: no assertion criteria provided. Collection method: clinical testing. Allele origin: unknown. Not counted in ClinVar's aggregate classification.

Literature cited by the submitters: PubMed 18628313 (cited by Labcorp Genetics (formerly Invitae), Labcorp); PubMed 29572252 (cited by 3 submitters); PubMed 25356239 (cited by 3 submitters).

NM_000124.4(ERCC6):c.526C>T (p.Arg176Ter)

Gene: ERCC6 (ERCC excision repair 6, chromatin remodeling factor; minus strand). Cytogenetic location: 10q11.23.
Variant type: single nucleotide variant.
Coding change: c.526C>T on transcript NM_000124.4 (MANE Select); coding-DNA position 526, C replaced by T.
Protein change: p.Arg176Ter; replaces arginine 176 with a stop codon.
Molecular consequence: nonsense.
Genome position (GRCh38, 1-based): chr10:49,530,737, G>A on the plus strand (C>T on the coding strand, the complement: ERCC6 is on the minus strand). VCF-style: chr10-49530737-G-A. GRCh37 (hg19) VCF-style: chr10-50738783-G-A.
Other names: c.526C>T, p.Arg176Ter (NM_001277058.2, NM_001277059.2, NM_001346440.2); short protein forms R176*.
Identifiers: ClinVar variation 551532 (VCV000551532.13), dbSNP rs771781694, ClinGen allele CA5496516.